The following is an entry in ClinVar:

ClinVar aggregate classification (germline): Uncertain significance (1 of 4 stars; one submission).

Allele frequency attached by ClinVar (database versions not stated): gnomAD exomes below 0.00001 and 0.00001; gnomAD 0.00001.
gnomAD v4.1: 4 of 1,613,898 alleles (0.00025%); no homozygotes.

Submission:

Labcorp Genetics (formerly Invitae), Labcorp
Classification: Uncertain significance. Last evaluated: 2021-04-21. Review status: criteria provided, single submitter. Criteria: Invitae Variant Classification Sherloc (09022015). Collection method: clinical testing. Allele origin: germline.
Comment: This variant is not present in population databases (ExAC no frequency). This sequence change replaces aspartic acid with glycine at codon 256 of the ANGPT1 protein (p.Asp256Gly). The aspartic acid residue is moderately conserved and there is a moderate physicochemical difference between aspartic acid and glycine. In summary, the available evidence is currently insufficient to determine the role of this variant in disease. Therefore, it has been classified as a Variant of Uncertain Significance. Algorithms developed to predict the effect of missense changes on protein structure and function are either unavailable or do not agree on the potential impact of this missense change (SIFT: "Deleterious"; PolyPhen-2: "Benign"; Align-GVGD: "Class C15"). This variant has not been reported in the literature in individuals with ANGPT1-related conditions.

NM_001146.5(ANGPT1):c.767A>G (p.Asp256Gly)

Gene: ANGPT1 (angiopoietin 1; minus strand). Cytogenetic location: 8q23.1.
Variant type: single nucleotide variant.
Coding change: c.767A>G on transcript NM_001146.5 (MANE Select); coding-DNA position 767, A replaced by G.
Protein change: p.Asp256Gly; replaces aspartic acid 256 with glycine.
Molecular consequence: missense variant.
Genome position (GRCh38, 1-based): chr8:107,321,937, T>C on the plus strand (A>G on the coding strand, the complement: ANGPT1 is on the minus strand). VCF-style: chr8-107321937-T-C. GRCh37 (hg19) VCF-style: chr8-108334165-T-C.
Other names: c.767A>G, p.Asp256Gly (NM_001199859.3); c.167A>G, p.Asp56Gly (NM_001314051.2); short protein forms D256G, D56G.
Identifiers: ClinVar variation 1361754 (VCV001361754.8), dbSNP rs1426733536, ClinGen allele CA372033692.
Genomic context (GRCh38, chr8:107,321,937, plus strand): 5'-GTGAGGAAGACATTCTTACCACCTTCTTTAGTGCAAAGATTGACAAGGTTGTGGACTGTG[T>C]CCATCAGCTCCAGTTGCTGCTTCTGAAGGACACTGTTGTTGGTGGTAGCTCTGTTTAATT-3'
Protein context (NP_001137.2, residues 246-266): VLQKQQLELM[Asp256Gly]TVHNLVNLCT